The following is an entry in ClinVar:

NM_001159699.2(FHL1):c.245T>C (p.Phe82Ser)

Gene: FHL1 (four and a half LIM domains 1; plus strand). Cytogenetic location: Xq26.3.
Variant type: single nucleotide variant.
Coding change: c.245T>C on transcript NM_001159699.2 (MANE Select); coding-DNA position 245, T replaced by C.
Protein change: p.Phe82Ser; replaces phenylalanine 82 with serine.
Molecular consequence: missense variant. On other transcripts: non-coding transcript variant (1).
Genome position (GRCh38, 1-based): chrX:136,207,056, T>C. VCF-style: chrX-136207056-T-C. GRCh37 (hg19) VCF-style: chrX-135289215-T-C.
Other names: c.197T>C, p.Phe66Ser (NM_001159700.2, NM_001159702.3, NM_001159703.2 and 9 more transcripts); c.284T>C, p.Phe95Ser (NM_001159701.2); c.245T>C, p.Phe82Ser (NM_001330659.2); short protein forms F66S, F82S, F95S.
Identifiers: ClinVar variation 3696750 (VCV003696750.2).

ClinVar aggregate classification (germline): Uncertain significance (1 of 4 stars; one submission).

Conditions:
X-linked myopathy with postural muscle atrophy. Also called: FHL1-Related Emery-Dreifuss Muscular Dystrophy, X-Linked. Identifiers: Orphanet 178461, MedGen C2678055, MONDO:0010401, OMIM 300696.

Submission:

Labcorp Genetics (formerly Invitae), Labcorp
Classification: Uncertain significance for X-linked myopathy with postural muscle atrophy. Last evaluated: 2024-07-30. Review status: criteria provided, single submitter. Criteria: Invitae Variant Classification Sherloc (09022015). Collection method: clinical testing. Allele origin: germline.
Comment: This sequence change replaces phenylalanine, which is neutral and non-polar, with serine, which is neutral and polar, at codon 66 of the FHL1 protein (p.Phe66Ser). This variant is present in population databases (no rsID available, gnomAD 0.001%). This variant has not been reported in the literature in individuals affected with FHL1-related conditions. An algorithm developed to predict the effect of missense changes on protein structure and function (PolyPhen-2) suggests that this variant is likely to be disruptive. In summary, the available evidence is currently insufficient to determine the role of this variant in disease. Therefore, it has been classified as a Variant of Uncertain Significance.